The following is an entry in ClinVar:

NM_000218.3(KCNQ1):c.858C>A (p.Asp286Glu)

Gene: KCNQ1 (potassium voltage-gated channel subfamily Q member 1; plus strand). Cytogenetic location: 11p15.5.
Variant type: single nucleotide variant.
Coding change: c.858C>A on transcript NM_000218.3 (MANE Select); coding-DNA position 858, C replaced by A.
Protein change: p.Asp286Glu; replaces aspartic acid 286 with glutamic acid.
Molecular consequence: missense variant.
Genome position (GRCh38, 1-based): chr11:2,572,923, C>A. VCF-style: chr11-2572923-C-A. GRCh37 (hg19) VCF-style: chr11-2594153-C-A.
Other names: c.858C>A, p.Asp286Glu (NM_001406836.1); c.588C>A, p.Asp196Glu (NM_001406837.1); c.477C>A, p.Asp159Glu (NM_181798.2); short protein forms D159E, D286E, D196E.
Identifiers: ClinVar variation 1352480 (VCV001352480.7), dbSNP rs760047145, ClinGen allele CA379131550.

ClinVar aggregate classification (germline): Uncertain significance (1 of 4 stars; one submission).

Conditions:
Long QT syndrome (LQTS). Identifiers: MedGen C0023976, MeSH D008133, MONDO:0002442. Disease mechanism: loss of function. Inheritance: Various modes of inheritance.

gnomAD v4.1: 4 of 1,613,706 alleles (0.00025%); highest among the groups gnomAD compares: Non-Finnish European, 0.00034%; no homozygotes.

Submission:

Labcorp Genetics (formerly Invitae), Labcorp
Classification: Uncertain significance for Long QT syndrome. Last evaluated: 2022-09-28. Review status: criteria provided, single submitter. Criteria: Invitae Variant Classification Sherloc (09022015). Collection method: clinical testing. Allele origin: germline.
Comment: This sequence change replaces aspartic acid, which is acidic and polar, with glutamic acid, which is acidic and polar, at codon 286 of the KCNQ1 protein (p.Asp286Glu). This variant is not present in population databases (gnomAD no frequency). This variant has not been reported in the literature in individuals affected with KCNQ1-related conditions. ClinVar contains an entry for this variant (Variation ID: 1352480). Advanced modeling of protein sequence and biophysical properties (such as structural, functional, and spatial information, amino acid conservation, physicochemical variation, residue mobility, and thermodynamic stability) has been performed at Invitae for this missense variant, however the output from this modeling did not meet the statistical confidence thresholds required to predict the impact of this variant on KCNQ1 protein function. In summary, the available evidence is currently insufficient to determine the role of this variant in disease. Therefore, it has been classified as a Variant of Uncertain Significance.